The following is an entry in ClinVar:

NM_024334.3(TMEM43):c.410G>C (p.Gly137Ala)

Gene: TMEM43 (transmembrane protein 43; plus strand). Cytogenetic location: 3p25.1.
Variant type: single nucleotide variant.
Coding change: c.410G>C on transcript NM_024334.3 (MANE Select); coding-DNA position 410, G replaced by C.
Protein change: p.Gly137Ala; replaces glycine 137 with alanine.
Molecular consequence: missense variant.
Genome position (GRCh38, 1-based): chr3:14,132,563, G>C. VCF-style: chr3-14132563-G-C. GRCh37 (hg19) VCF-style: chr3-14174063-G-C.
Other names: p.G137A:GGG>GCG; short protein forms G137A.
Identifiers: ClinVar variation 202130 (VCV000202130.3), dbSNP rs760628106, ClinGen allele CA024675.
Genomic context (GRCh38, chr3:14,132,563, plus strand): 5'-GGCGACGAGGCTAACCCCCGTGGCTGCTTTGCTTTCCCTGCAGGGAGTACACCGAGGATG[G>C]GCAGGTGAAGAAGGAGACGAGGTATTCCTACAGTGAGTGCTGGGCCCCTTACGTGGTCTC-3'
Protein context (NP_077310.1, residues 127-147): TEESREYTED[Gly137Ala]QVKKETRYSY

ClinVar aggregate classification (germline): Uncertain significance. Review status: criteria provided, multiple submitters, no conflicts (2 of 4 stars). 2 submissions from 2 submitters: Uncertain significance (2). Last evaluated 2023-02-15.

Conditions:
Arrhythmogenic right ventricular dysplasia 5. Also called: Arrhythmogenic Right Ventricular Dysplasia/Cardiomyopathy 5; ARRHYTHMOGENIC RIGHT VENTRICULAR DYSPLASIA, FAMILIAL, 5. Identifiers: MedGen C1858379, MONDO:0011459, OMIM 604400.

Allele frequency attached by ClinVar (database versions not stated): gnomAD exomes below 0.00001; ExAC 0.00001.

Submissions (2):

All of Us Research Program, National Institutes of Health
Classification: Uncertain significance for Arrhythmogenic right ventricular dysplasia 5. Last evaluated: 2023-02-15. Review status: criteria provided, single submitter. Criteria: ACMG Guidelines, 2015. Collection method: clinical testing. Allele origin: germline. Inheritance: Autosomal dominant inheritance. Observed: 1 variant allele, 1 heterozygote.
Comment: This missense variant replaces glycine with alanine at codon 137 of the TMEM43 protein. Computational prediction suggests that this variant may not impact protein structure and function (internally defined REVEL score threshold <= 0.5, PMID: 27666373). To our knowledge, functional studies have not been reported for this variant. This variant has not been reported in individuals affected with TMEM43-related disorders in the literature. This variant has been identified in 1/251386 chromosomes in the general population by the Genome Aggregation Database (gnomAD). The available evidence is insufficient to determine the role of this variant in disease conclusively. Therefore, this variant is classified as a Variant of Uncertain Significance.

This study involves interpretation of variants in research participants for the purpose of population health screening. Participant phenotype was not available at the time of variant classification. Additional details can be found in publication PMID: 35346344, PMCID: PMC8962531

GeneDx
Classification: Uncertain significance. Last evaluated: 2013-11-25. Review status: criteria provided, single submitter. Criteria: GeneDx Variant Classification (06012015). Collection method: clinical testing. Allele origin: germline. Affected: yes.
Comment: p.Gly137Ala (GGG>GCG): c.410 G>C in exon 5 of the TMEM43 gene (NM_024334.2). The Gly137Ala variant in the TMEM43 gene has not been reported as a disease-causing mutation or as a benign polymorphism to our knowledge. The Gly137Ala variant is a conservative amino substitution as these residues share similar properties, and are least likely to impact secondary structure, and the Gly137 residue is not conserved across evolution. However, in silico analysis predicts Gly137Ala is probably damaging to the protein structure/function. A mutation affected a nearby residue (Glu142Lys) has been reported in association with ARVC, supporting the functional importance of this region of the protein. The Gly137Ala variant was not observed in approximately 6,500 individuals of European and African American ancestry in the NHLBI Exome Sequencing Project, indicating it is not a common benign variant in these populations. With the clinical and molecular information available at this time, we cannot definitively determine if Gly137Ala is a disease-causing mutation or a rare benign variant. The variant is found in ARRHYTHMIA panel(s).